The following is an entry in ClinVar:

NM_001277115.2(DNAH11):c.6860G>T (p.Arg2287Leu)

Gene: DNAH11 (dynein axonemal heavy chain 11; plus strand). Cytogenetic location: 7p15.3.
Variant type: single nucleotide variant.
Coding change: c.6860G>T on transcript NM_001277115.2 (MANE Select); coding-DNA position 6860, G replaced by T.
Protein change: p.Arg2287Leu; replaces arginine 2287 with leucine.
Molecular consequence: missense variant.
Genome position (GRCh38, 1-based): chr7:21,711,737, G>T. VCF-style: chr7-21711737-G-T. GRCh37 (hg19) VCF-style: chr7-21751355-G-T.
Other names: short protein forms R2287L.
Identifiers: ClinVar variation 1217582 (VCV001217582.3), dbSNP rs781049702, ClinGen allele CA366941315.
Genomic context (GRCh38, chr7:21,711,737, plus strand): 5'-TTTGCCCATGGGTGACAGTGTGCTGCTCACTCCAGGTGCTGACCCTCGCCAGCAATGAGC[G>T]CATTGCACTCACTCCCTTCATGAGGCTTCTGTTTGAGATACATCACTTAAGGAGCGCAAC-3'
Protein context (NP_001264044.1, residues 2277-2297): NKVLTLASNE[Arg2287Leu]IALTPFMRLL

ClinVar aggregate classification (germline): Uncertain significance (1 of 4 stars; one submission).

gnomAD v4.1: 16 of 1,613,614 alleles (0.00099%); highest among the groups gnomAD compares: Admixed American, 0.0017%; no homozygotes.

Submission:

GeneDx
Classification: Uncertain significance. Last evaluated: 2019-05-06. Review status: criteria provided, single submitter. Criteria: GeneDx Variant Classification Process June 2021. Collection method: clinical testing. Allele origin: germline. Affected: yes.
Comment: In silico analysis, which includes protein predictors and evolutionary conservation, supports a deleterious effect; Has not been previously published as pathogenic or benign to our knowledge